The following is an entry in ClinVar:

ClinVar aggregate classification (germline): Uncertain significance (1 of 4 stars; one submission).

Submission:

Labcorp Genetics (formerly Invitae), Labcorp
Classification: Uncertain significance. Last evaluated: 2025-04-14. Review status: criteria provided, single submitter. Criteria: Invitae Variant Classification Sherloc (09022015). Collection method: clinical testing. Allele origin: germline.
Comment: This sequence change replaces glycine, which is neutral and non-polar, with cysteine, which is neutral and slightly polar, at codon 37 of the RUNX2 protein (p.Gly37Cys). This variant is not present in population databases (gnomAD no frequency). This variant has not been reported in the literature in individuals affected with RUNX2-related conditions. ClinVar contains an entry for this variant (Variation ID: 1358664). Invitae Evidence Modeling of protein sequence and biophysical properties (such as structural, functional, and spatial information, amino acid conservation, physicochemical variation, residue mobility, and thermodynamic stability) indicates that this missense variant is not expected to disrupt RUNX2 protein function with a negative predictive value of 80%. In summary, the available evidence is currently insufficient to determine the role of this variant in disease. Therefore, it has been classified as a Variant of Uncertain Significance.

NM_001024630.4(RUNX2):c.109G>T (p.Gly37Cys)

Gene: RUNX2 (RUNX family transcription factor 2; plus strand). Cytogenetic location: 6p21.1.
Variant type: single nucleotide variant.
Coding change: c.109G>T on transcript NM_001024630.4 (MANE Select); coding-DNA position 109, G replaced by T.
Protein change: p.Gly37Cys; replaces glycine 37 with cysteine.
Molecular consequence: missense variant.
Genome position (GRCh38, 1-based): chr6:45,422,643, G>T. VCF-style: chr6-45422643-G-T. GRCh37 (hg19) VCF-style: chr6-45390380-G-T.
Other names: c.109G>T, p.Gly37Cys (NM_001015051.4); c.67G>T, p.Gly23Cys (NM_001278478.2, NM_001369405.1); short protein forms G37C, G23C.
Identifiers: ClinVar variation 1358664 (VCV001358664.8), dbSNP rs760049118, ClinGen allele CA363957650.